The following is an entry in ClinVar:

NM_213599.3(ANO5):c.181-12T>C

Gene: ANO5 (anoctamin 5; plus strand). Cytogenetic location: 11p14.3.
Variant type: single nucleotide variant.
Coding change: c.181-12T>C on transcript NM_213599.3 (MANE Select); 12 bases into the intron before coding-DNA position 181, T replaced by C.
Molecular consequence: intron variant.
Genome position (GRCh38, 1-based): chr11:22,221,085, T>C. VCF-style: chr11-22221085-T-C. GRCh37 (hg19) VCF-style: chr11-22242631-T-C.
Other names: c.139-12T>C (NM_001410963.1); c.178-12T>C (NM_001142649.2); c.136-12T>C (NM_001410964.1).
Identifiers: ClinVar variation 3754369 (VCV003754369.2).

ClinVar aggregate classification (germline): Uncertain significance (1 of 4 stars; one submission).

Conditions:
Gnathodiaphyseal dysplasia (GDD). Also called: GNATHODIAPHYSEAL SCLEROSIS; OSTEOGENESIS IMPERFECTA WITH UNUSUAL SKELETAL LESIONS. Identifiers: Orphanet 53697, MedGen C1833736, MONDO:0008151, OMIM 166260.
Autosomal recessive limb-girdle muscular dystrophy type 2L (LGMDR12). Also called: Limb-girdle muscular dystrophy, type 2L; MUSCULAR DYSTROPHY, LIMB-GIRDLE, AUTOSOMAL RECESSIVE 12; Limb-Girdle Muscular Dystrophy R12 Anoctamin-5-Related (LGMD-R12). Identifiers: Orphanet 206549, MedGen C1969785, MONDO:0012652, OMIM 611307.

Submission:

Labcorp Genetics (formerly Invitae), Labcorp
Classification: Uncertain significance for Autosomal recessive limb-girdle muscular dystrophy type 2L; Gnathodiaphyseal dysplasia. Last evaluated: 2024-02-02. Review status: criteria provided, single submitter. Criteria: Invitae Variant Classification Sherloc (09022015). Collection method: clinical testing. Allele origin: germline.
Comment: This sequence change falls in intron 4 of the ANO5 gene. It does not directly change the encoded amino acid sequence of the ANO5 protein. This variant is not present in population databases (gnomAD no frequency). This variant has not been reported in the literature in individuals affected with ANO5-related conditions. Algorithms developed to predict the effect of sequence changes on RNA splicing suggest that this variant may create or strengthen a splice site. In summary, the available evidence is currently insufficient to determine the role of this variant in disease. Therefore, it has been classified as a Variant of Uncertain Significance.